The following is an entry in ClinVar:

NM_152327.5(AK7):c.1497GGA[2] (p.Glu502del)

Gene: AK7 (adenylate kinase 7; plus strand). Cytogenetic location: 14q32.2.
Variant type: Microsatellite.
Coding change: c.1497GGA[2] on transcript NM_152327.5 (MANE Select); two copies in a row of the 3-base unit GGA starting at c.1497; the reference has three copies in a row; one copy, 3 bases deleted.
Protein change: p.Glu502del; deletes glutamic acid 502.
Molecular consequence: inframe deletion. On other transcripts: intron variant (3).
Genome position (GRCh38, 1-based): chr14:96,472,703-96,472,705, GGA deleted; deleting any 3 consecutive bases within chr14:96,472,695-96,472,705 gives the same sequence; the position shown is the placement nearest the transcript's 3' end. VCF-style (leftmost placement, unchanged base first): chr14-96472694-TGAG-T. GRCh37 (hg19) VCF-style: chr14-96939031-TGAG-T.
Other names: c.1419GGA[2], p.Glu476del (NM_001350891.2); c.1486+1089GAG[2] (NM_001350888.2, NM_001350890.2); c.1358-5770GAG[2] (NM_001350892.2); short protein forms E476del, E502del.
Identifiers: ClinVar variation 2892349 (VCV002892349.1), dbSNP rs1416950076, ClinGen allele CA615887991.

ClinVar aggregate classification (germline): Uncertain significance (1 of 4 stars; one submission).

Submission:

Labcorp Genetics (formerly Invitae), Labcorp
Classification: Uncertain significance. Last evaluated: 2024-01-10. Review status: criteria provided, single submitter. Criteria: Invitae Variant Classification Sherloc (09022015). Collection method: clinical testing. Allele origin: germline.
Comment: This variant, c.1503_1505del, results in the deletion of 1 amino acid(s) of the AK7 protein (p.Glu502del), but otherwise preserves the integrity of the reading frame. This variant is present in population databases (no rsID available, gnomAD 0.007%). This variant has not been reported in the literature in individuals affected with AK7-related conditions. Experimental studies and prediction algorithms are not available or were not evaluated, and the functional significance of this variant is currently unknown. In summary, the available evidence is currently insufficient to determine the role of this variant in disease. Therefore, it has been classified as a Variant of Uncertain Significance.